The following is an entry in ClinVar:

NM_000135.4(FANCA):c.2448G>A (p.Ala816=)

Gene: FANCA (FA complementation group A; minus strand). Cytogenetic location: 16q24.3.
Variant type: single nucleotide variant.
Coding change: c.2448G>A on transcript NM_000135.4 (MANE Select); coding-DNA position 2448, G replaced by A.
Protein change: p.Ala816=; no amino-acid change (alanine 816 retained).
Molecular consequence: synonymous variant.
Genome position (GRCh38, 1-based): chr16:89,769,893, C>T on the plus strand (G>A on the coding strand, the complement: FANCA is on the minus strand). VCF-style: chr16-89769893-C-T. GRCh37 (hg19) VCF-style: chr16-89836301-C-T.
Other names: c.2448G>A (NM_000135.2); c.2448G>A, p.Ala816= (NM_001286167.3).
Identifiers: ClinVar variation 1156512 (VCV001156512.33), dbSNP rs752705496, ClinGen allele CA8251724.

ClinVar aggregate classification (germline): Likely benign. Review status: criteria provided, multiple submitters, no conflicts (2 of 4 stars). 3 submissions from 3 submitters: Likely benign (3). Last evaluated 2024-12-28.

Conditions:
Fanconi anemia (FA). Also called: Fanconi's anemia. Identifiers: Orphanet 84, MedGen C0015625, MeSH D005199, MONDO:0019391.
Inborn genetic diseases. Identifiers: MedGen C0950123, MeSH D030342.

Allele frequency attached by ClinVar (database versions not stated): gnomAD 0.00001; gnomAD exomes 0.00001 and 0.00002; ExAC 0.00004.
gnomAD v4.1: 16 of 1,613,982 alleles (0.00099%); highest among the groups gnomAD compares: South Asian, 0.0044%; no homozygotes.

Submissions (3):

Ambry Genetics
Classification: Likely benign for Inborn genetic diseases. Last evaluated: 2024-12-28. Review status: criteria provided, single submitter. Criteria: Ambry Variant Classification Scheme 2023. Collection method: clinical testing. Allele origin: germline.

Labcorp Genetics (formerly Invitae), Labcorp
Classification: Likely benign for Fanconi anemia. Last evaluated: 2024-02-17. Review status: criteria provided, single submitter. Criteria: Invitae Variant Classification Sherloc (09022015). Collection method: clinical testing. Allele origin: germline.

CeGaT Center for Human Genetics Tuebingen
Classification: Likely benign. Last evaluated: 2023-09-01. Review status: criteria provided, single submitter. Criteria: CeGaT Center For Human Genetics Tuebingen Variant Classification Criteria Version 2. Collection method: clinical testing. Allele origin: germline. Affected: yes. Observed: 1 variant allele.
Comment: FANCA: BP4, BP7